The following is an entry in ClinVar:

ClinVar aggregate classification (germline): Pathogenic (1 of 4 stars; one submission).

Conditions:
Blepharophimosis, ptosis, and epicanthus inversus syndrome. Identifiers: Orphanet 126, MedGen C0220663, MONDO:0007201, OMIM 110100.

Submission:

Genomic Diagnostic Laboratory, Division of Genomic Diagnostics, Children's Hospital of Philadelphia
Classification: Pathogenic for Blepharophimosis, ptosis, and epicanthus inversus syndrome. Last evaluated: 2016-11-03. Review status: criteria provided, single submitter. Criteria: DGD Variant Analysis Guidelines. Collection method: clinical testing. Allele origin: germline. Affected: yes. Observed: 1 variant allele.
Comment: Clinical Testing

NM_023067.4(FOXL2):c.856_857delinsA (p.Pro286fs)

Gene: FOXL2 (forkhead box L2; minus strand). Cytogenetic location: 3q22.3.
Variant type: Indel.
Coding change: c.856_857delinsA on transcript NM_023067.4 (MANE Select); coding-DNA positions 856 to 857, CC replaced by A.
Protein change: p.Pro286fs; shifts the reading frame from proline 286.
Molecular consequence: frameshift variant.
Genome position (GRCh38, 1-based): chr3:138,945,866-138,945,867, GG replaced by T on the plus strand (CC replaced by A on the coding strand, the reverse complement: FOXL2 is on the minus strand). VCF-style: chr3-138945866-GG-T. GRCh37 (hg19) VCF-style: chr3-138664708-GG-T.
Other names: short protein forms P286fs.
Identifiers: ClinVar variation 369933 (VCV000369933.1), dbSNP rs1057516180, ClinGen allele CA10654862.
Genomic context (GRCh38, chr3:138,945,866, plus strand): 5'-GGCGGTGCGGCGGCCGCGTGCAGATGGTGTGCGTGCGGATGCGGGTGGGGGTGCGGCGGA[GG>T]CGGGGGTGCGGCCGGCGGGCCTCCCAGGCCATTGTACGAGTTCACTACGCCGGGGGGCAG-3'